The following is an entry in ClinVar:

NM_001011.4(RPS7):c.329C>G (p.Thr110Arg)

Gene: RPS7 (ribosomal protein S7; plus strand). Cytogenetic location: 2p25.3.
Variant type: single nucleotide variant.
Coding change: c.329C>G on transcript NM_001011.4 (MANE Select); coding-DNA position 329, C replaced by G.
Protein change: p.Thr110Arg; replaces threonine 110 with arginine.
Molecular consequence: missense variant.
Genome position (GRCh38, 1-based): chr2:3,577,747, C>G. VCF-style: chr2-3577747-C-G. GRCh37 (hg19) VCF-style: chr2-3625337-C-G.
Other names: short protein forms T110R.
Identifiers: ClinVar variation 3239499 (VCV003239499.19), dbSNP rs2528181238.

ClinVar aggregate classification (germline): Uncertain significance (1 of 4 stars; one submission).

Submission:

CeGaT Center for Human Genetics Tuebingen
Classification: Uncertain significance. Last evaluated: 2024-05-01. Review status: criteria provided, single submitter. Criteria: CeGaT Center For Human Genetics Tuebingen Variant Classification Criteria Version 2. Collection method: clinical testing. Allele origin: germline. Affected: yes. Observed: 1 variant allele.
Comment: RPS7: PM2, PP2